The following is an entry in ClinVar:

ClinVar aggregate classification (germline): Likely benign (0 of 4 stars; one submission).

Conditions:
MYO7B-related disorder. Also called: MYO7B-related condition.

Allele frequency attached by ClinVar (database versions not stated): gnomAD exomes 0.00005; ExAC 0.00010; 1000 Genomes Project 30x 0.00031; gnomAD 0.00060; ESP Exome Variant Server 0.00067; TOPMed 0.00071.
gnomAD v4.1: 171 of 1,551,388 alleles (0.011%); highest among the groups gnomAD compares: African/African-American, 0.2%; no homozygotes.

Submission:

PreventionGenetics, part of Exact Sciences
Classification: Likely benign for MYO7B-related condition. Last evaluated: 2019-06-17. Review status: no assertion criteria provided. Collection method: clinical testing. Allele origin: germline.
Comment: This variant is classified as likely benign based on ACMG/AMP sequence variant interpretation guidelines (Richards et al. 2015 PMID: 25741868, with internal and published modifications).

NM_001393586.1(MYO7B):c.2517G>A (p.Leu839=)

Gene: MYO7B (myosin VIIB; plus strand). Cytogenetic location: 2q14.3.
Variant type: single nucleotide variant.
Coding change: c.2517G>A on transcript NM_001393586.1 (MANE Select); coding-DNA position 2517, G replaced by A.
Protein change: p.Leu839=; no amino-acid change (leucine 839 retained).
Molecular consequence: synonymous variant.
Genome position (GRCh38, 1-based): chr2:127,607,298, G>A. VCF-style: chr2-127607298-G-A. GRCh37 (hg19) VCF-style: chr2-128364873-G-A.
Other names: c.2517G>A, p.Leu839= (NM_001080527.2).
Identifiers: ClinVar variation 3034262 (VCV003034262.2), dbSNP rs199821381, ClinGen allele CA1861148.